The following is an entry in ClinVar:

ClinVar aggregate classification (germline): Uncertain significance. Review status: criteria provided, multiple submitters, no conflicts (2 of 4 stars). 3 submissions from 3 submitters: Uncertain significance (3). Last evaluated 2025-07-18.

Conditions:
Monocytopenia with susceptibility to infections. Also called: MONOCYTOPENIA AND MYCOBACTERIAL INFECTION SYNDROME; MONOCYTOPENIA WITH SUSCEPTIBILITY TO MYCOBACTERIAL, FUNGAL, AND PAPILLOMAVIRUS INFECTIONS AND MYELODYSPLASIA; COMBINED IMMUNODEFICIENCY WITH SUSCEPTIBILITY TO MYCOBACTERIAL, VIRAL, AND FUNGAL INFECTIONS; Dendritic cell, monocyte, B lymphocyte, and natural killer lymphocyte deficiency; IMMUNODEFICIENCY 21; GATA2 DEFICIENCY. Identifiers: Orphanet 228423, MedGen C3280030, MONDO:0013607, OMIM 614172.
Deafness-lymphedema-leukemia syndrome. Also called: Lymphedema, primary, with myelodysplasia; Emberger syndrome. Identifiers: Orphanet 3226, MedGen C3279664, MONDO:0013540, OMIM 614038.
Inborn genetic diseases. Identifiers: MedGen C0950123, MeSH D030342.

Allele frequency attached by ClinVar (database versions not stated): gnomAD exomes below 0.00001.

Submissions (3):

Ambry Genetics
Classification: Uncertain significance for Inborn genetic diseases. Last evaluated: 2025-07-18. Review status: criteria provided, single submitter. Criteria: Ambry Variant Classification Scheme 2023. Collection method: clinical testing. Allele origin: germline.
Comment: The p.S261N variant (also known as c.782G>A), located in coding exon 2 of the GATA2 gene, results from a G to A substitution at nucleotide position 782. The serine at codon 261 is replaced by asparagine, an amino acid with highly similar properties. This amino acid position is not well conserved in available vertebrate species. In addition, the in silico prediction for this alteration is inconclusive. Based on the available evidence, the clinical significance of this variant remains unclear.

Labcorp Genetics (formerly Invitae), Labcorp
Classification: Uncertain significance for Monocytopenia with susceptibility to infections; Deafness-lymphedema-leukemia syndrome. Last evaluated: 2024-10-26. Review status: criteria provided, single submitter. Criteria: Invitae Variant Classification Sherloc (09022015). Collection method: clinical testing. Allele origin: germline.
Comment: This sequence change replaces serine, which is neutral and polar, with asparagine, which is neutral and polar, at codon 261 of the GATA2 protein (p.Ser261Asn). This variant is not present in population databases (gnomAD no frequency). This variant has not been reported in the literature in individuals affected with GATA2-related conditions. Invitae Evidence Modeling of protein sequence and biophysical properties (such as structural, functional, and spatial information, amino acid conservation, physicochemical variation, residue mobility, and thermodynamic stability) indicates that this missense variant is not expected to disrupt GATA2 protein function with a negative predictive value of 95%. In summary, the available evidence is currently insufficient to determine the role of this variant in disease. Therefore, it has been classified as a Variant of Uncertain Significance.

GeneDx
Classification: Uncertain significance. Last evaluated: 2024-05-17. Review status: criteria provided, single submitter. Criteria: GeneDx Variant Classification Process June 2021. Collection method: clinical testing. Allele origin: germline. Affected: yes.
Comment: Not observed at significant frequency in large population cohorts (gnomAD); In silico analysis indicates that this missense variant does not alter protein structure/function; Has not been previously published as pathogenic or benign to our knowledge

NM_032638.5(GATA2):c.782G>A (p.Ser261Asn)

Gene: GATA2 (GATA binding protein 2; minus strand). Cytogenetic location: 3q21.3.
Variant type: single nucleotide variant.
Coding change: c.782G>A on transcript NM_032638.5 (MANE Select); coding-DNA position 782, G replaced by A.
Protein change: p.Ser261Asn; replaces serine 261 with asparagine.
Molecular consequence: missense variant.
Genome position (GRCh38, 1-based): chr3:128,485,816, C>T on the plus strand (G>A on the coding strand, the complement: GATA2 is on the minus strand). VCF-style: chr3-128485816-C-T. GRCh37 (hg19) VCF-style: chr3-128204659-C-T.
Other names: c.782G>A, p.Ser261Asn (NM_001145661.2, NM_001145662.1); short protein forms S261N.
Identifiers: ClinVar variation 2935917 (VCV002935917.5), dbSNP rs1559987003, ClinGen allele CA354405935.